The following is an entry in ClinVar:

ClinVar aggregate classification (germline): Uncertain significance (1 of 4 stars; one submission).

Submission:

Labcorp Genetics (formerly Invitae), Labcorp
Classification: Uncertain significance. Last evaluated: 2023-12-23. Review status: criteria provided, single submitter. Criteria: Invitae Variant Classification Sherloc (09022015). Collection method: clinical testing. Allele origin: germline.
Comment: This sequence change creates a premature translational stop signal (p.Val697Cysfs*4) in the SUCO gene. It is expected to result in an absent or disrupted protein product. However, the current clinical and genetic evidence is not sufficient to establish whether loss-of-function variants in SUCO cause disease. This variant is not present in population databases (gnomAD no frequency). This variant has not been reported in the literature in individuals affected with SUCO-related conditions. In summary, the available evidence is currently insufficient to determine the role of this variant in disease. Therefore, it has been classified as a Variant of Uncertain Significance.

NM_014283.5(SUCO):c.2089_2090del (p.Val697fs)

Gene: SUCO (SUN domain containing ossification factor; plus strand). Cytogenetic location: 1q24.3.
Variant type: Deletion.
Coding change: c.2089_2090del on transcript NM_014283.5 (MANE Select); coding-DNA positions 2089 to 2090, 2 bases deleted (GT; older notation c.2089_2090delGT).
Protein change: p.Val697fs; shifts the reading frame from valine 697.
Molecular consequence: frameshift variant. On other transcripts: intron variant (1).
Genome position (GRCh38, 1-based): chr1:172,589,190-172,589,191, GT deleted; deleting any 2 consecutive bases within chr1:172,589,189-172,589,191 gives the same sequence; the c. name uses the placement nearest the transcript's 3' end. VCF-style (leftmost placement, unchanged base first): chr1-172589188-CTG-C. GRCh37 (hg19) VCF-style: chr1-172558328-CTG-C.
Other names: c.400_401del, p.Val134fs (NM_001282751.2); c.2542_2543del, p.Val848fs (NM_016227.4); c.1712+266_1712+267del (NM_001282750.2); short protein forms V697fs, V848fs, V134fs.
Identifiers: ClinVar variation 2798215 (VCV002798215.3), dbSNP rs866362688, ClinGen allele CA32732613.